The following is an entry in ClinVar:

ClinVar aggregate classification (germline): Uncertain significance. Review status: criteria provided, multiple submitters, no conflicts (2 of 4 stars). 2 submissions from 2 submitters: Uncertain significance (2). Last evaluated 2026-09-01.

Conditions:
TCF3-related disorder. Also called: TCF3-related condition.

Allele frequency attached by ClinVar (database versions not stated): gnomAD exomes 0.00001; TOPMed 0.00001; gnomAD 0.00002.
gnomAD v4.1: 13 of 1,566,762 alleles (0.00083%); highest among the groups gnomAD compares: Non-Finnish European, 0.0011%; no homozygotes.

Submissions (2):

PreventionGenetics, part of Exact Sciences
Classification: Uncertain significance for TCF3-related condition. Last evaluated: 2026-09-01. Review status: criteria provided, single submitter. Criteria: ACMG Guidelines, 2015. Collection method: clinical testing. Allele origin: germline.
Comment: The TCF3 c.689C>G variant is predicted to result in the amino acid substitution p.Pro230Arg. To our knowledge, this variant has not been reported in the literature. This variant is reported in 0.0014% of alleles in individuals of European (Non-Finnish) descent in gnomAD. At this time, the clinical significance of this variant is uncertain due to the absence of conclusive functional and genetic evidence.

Labcorp Genetics (formerly Invitae), Labcorp
Classification: Uncertain significance. Last evaluated: 2024-06-21. Review status: criteria provided, single submitter. Criteria: Invitae Variant Classification Sherloc (09022015). Collection method: clinical testing. Allele origin: germline.
Comment: This sequence change replaces proline, which is neutral and non-polar, with arginine, which is basic and polar, at codon 230 of the TCF3 protein (p.Pro230Arg). This variant is present in population databases (no rsID available, gnomAD 0.001%). This variant has not been reported in the literature in individuals affected with TCF3-related conditions. Advanced modeling of protein sequence and biophysical properties (such as structural, functional, and spatial information, amino acid conservation, physicochemical variation, residue mobility, and thermodynamic stability) performed at Invitae indicates that this missense variant is not expected to disrupt TCF3 protein function with a negative predictive value of 80%. In summary, the available evidence is currently insufficient to determine the role of this variant in disease. Therefore, it has been classified as a Variant of Uncertain Significance.

NM_003200.5(TCF3):c.689C>G (p.Pro230Arg)

Gene: TCF3 (transcription factor 3; minus strand). Cytogenetic location: 19p13.3.
Variant type: single nucleotide variant.
Coding change: c.689C>G on transcript NM_003200.5 (MANE Select); coding-DNA position 689, C replaced by G.
Protein change: p.Pro230Arg; replaces proline 230 with arginine.
Molecular consequence: missense variant.
Genome position (GRCh38, 1-based): chr19:1,622,187, G>C on the plus strand (C>G on the coding strand, the complement: TCF3 is on the minus strand). VCF-style: chr19-1622187-G-C. GRCh37 (hg19) VCF-style: chr19-1622186-G-C.
Other names: c.689C>G (NM_003200.3); c.689C>G, p.Pro230Arg (NM_001136139.4, NM_001351778.2, NM_001351779.2); short protein forms P230R.
Identifiers: ClinVar variation 2741056 (VCV002741056.4), dbSNP rs1209615949, ClinGen allele CA403055863.
Genomic context (GRCh38, chr19:1,622,187, plus strand): 5'-GGGAGGGGCAGCGGGGATGAGCCCCCACCCAGCATGGGCCCGAAGCCCGCCTGGCCCGGG[G>C]GACTCCAGAGCTCGGCTGAGGGGTGCAGGCTGCCATCTGTGGAGGGGAGCTGGTAAGGTG-3'
Protein context (NP_003191.1, residues 220-240): SLHPSAELWS[Pro230Arg]PGQAGFGPML